The following is an entry in ClinVar:

ClinVar aggregate classification (germline): Likely benign. Review status: criteria provided, multiple submitters, no conflicts (2 of 4 stars). 3 submissions from 3 submitters: Likely benign (2). 1 of the submissions does not count toward it. Last evaluated 2025-09-24.

Conditions:
Inborn genetic diseases. Identifiers: MedGen C0950123, MeSH D030342.
Niemann-Pick disease, type A. Also called: Infantile Neurovisceral ASMD (Niemann-Pick Disease Type A; NPD-A); SPHINGOMYELIN LIPIDOSIS; SPHINGOMYELINASE DEFICIENCY. Identifiers: Orphanet 77292, MedGen C0268242, MONDO:0009756, OMIM 257200. Disease mechanism: loss of function.
Niemann-Pick disease, type B. Also called: Chronic Visceral ASMD (Niemann-Pick Disease Type B; NPD-B). Identifiers: Orphanet 77293, MedGen C0268243, MONDO:0011871, OMIM 607616. Disease mechanism: loss of function.
SMPD1-related disorder. Also called: SMPD1-related condition.

Allele frequency attached by ClinVar (database versions not stated): gnomAD exomes below 0.00001 and 0.00001.
gnomAD v4.1: 4 of 1,059,978 alleles (0.00038%); highest among the groups gnomAD compares: East Asian, 0.0054%; no homozygotes.

Submissions (3):

Labcorp Genetics (formerly Invitae), Labcorp
Classification: Likely benign for Niemann-Pick disease, type B; Niemann-Pick disease, type A. Last evaluated: 2025-09-24. Review status: criteria provided, single submitter. Criteria: Invitae Variant Classification Sherloc (09022015). Collection method: clinical testing. Allele origin: germline.

Ambry Genetics
Classification: Likely benign for Inborn genetic diseases. Last evaluated: 2019-06-30. Review status: criteria provided, single submitter. Criteria: Ambry Variant Classification Scheme 2023. Collection method: clinical testing. Allele origin: germline.

PreventionGenetics, part of Exact Sciences
Classification: Likely benign for SMPD1-related condition. Last evaluated: 2023-01-17. Review status: no assertion criteria provided. Collection method: clinical testing. Allele origin: germline. Not counted in ClinVar's aggregate classification.
Comment: This variant is classified as likely benign based on ACMG/AMP sequence variant interpretation guidelines (Richards et al. 2015 PMID: 25741868, with internal and published modifications).

NM_000543.5(SMPD1):c.591T>C (p.Gly197=)

Gene: SMPD1 (sphingomyelin phosphodiesterase 1; plus strand). Cytogenetic location: 11p15.4.
Variant type: single nucleotide variant.
Coding change: c.591T>C on transcript NM_000543.5 (MANE Select); coding-DNA position 591, T replaced by C.
Protein change: p.Gly197=; no amino-acid change (glycine 197 retained).
Molecular consequence: synonymous variant. On other transcripts: 5 prime UTR variant (1), non-coding transcript variant (1).
Genome position (GRCh38, 1-based): chr11:6,391,656, T>C. VCF-style: chr11-6391656-T-C. GRCh37 (hg19) VCF-style: chr11-6412886-T-C.
Other names: c.588T>C, p.Gly196= (NM_001007593.3); c.591T>C, p.Gly197= (NM_001318087.2, NM_001365135.2); c.-371T>C (NM_001318088.2).
Identifiers: ClinVar variation 1090804 (VCV001090804.13), dbSNP rs1328127205, ClinGen allele CA472909627.